The following is an entry in ClinVar:

NM_001267550.2(TTN):c.103220C>A (p.Pro34407His)

Genes: TTN-AS1 (TTN antisense RNA 1; plus strand), TTN (titin; minus strand). Cytogenetic location: 2q31.2.
Variant type: single nucleotide variant.
Coding change: c.103220C>A on transcript NM_001267550.2 (MANE Select); coding-DNA position 103220, C replaced by A.
Protein change: p.Pro34407His; replaces proline 34407 with histidine.
Molecular consequence: missense variant.
Genome position (GRCh38, 1-based): chr2:178,533,395, G>T on the plus strand (C>A on the coding strand, the complement: TTN is on the minus strand). VCF-style: chr2-178533395-G-T. GRCh37 (hg19) VCF-style: chr2-179398122-G-T.
Other names: c.98297C>A, p.Pro32766His (NM_001256850.1); c.76025C>A, p.Pro25342His (NM_003319.4); c.95516C>A, p.Pro31839His (NM_133378.4); c.76400C>A, p.Pro25467His (NM_133432.3); c.76601C>A, p.Pro25534His (NM_133437.4); short protein forms P25467H, P31839H, P25534H, P34407H, P32766H, P25342H.
Identifiers: ClinVar variation 1967141 (VCV001967141.5), dbSNP rs894758214, ClinGen allele CA60957449.

ClinVar aggregate classification (germline): Uncertain significance (1 of 4 stars; one submission).

Conditions:
Dilated cardiomyopathy 1G (CMD1G). Identifiers: Orphanet 154, MedGen C1858763, MONDO:0011400, OMIM 604145.
Autosomal recessive limb-girdle muscular dystrophy type 2J (LGMDR10). Also called: Limb-girdle muscular dystrophy, type 2J; MUSCULAR DYSTROPHY, LIMB-GIRDLE, AUTOSOMAL RECESSIVE 10. Identifiers: Orphanet 140922, MedGen C1837342, MONDO:0012127, OMIM 608807.

Allele frequency attached by ClinVar (database versions not stated): TOPMed below 0.00001.

Submission:

Labcorp Genetics (formerly Invitae), Labcorp
Classification: Uncertain significance for Dilated cardiomyopathy 1G; Autosomal recessive limb-girdle muscular dystrophy type 2J. Last evaluated: 2025-12-23. Review status: criteria provided, single submitter. Criteria: Invitae Variant Classification Sherloc (09022015). Collection method: clinical testing. Allele origin: germline.
Comment: This sequence change replaces proline, which is neutral and non-polar, with histidine, which is basic and polar, at codon 34407 of the TTN protein (p.Pro34407His). This variant is not present in population databases (gnomAD no frequency). This variant has not been reported in the literature in individuals affected with TTN-related conditions. ClinVar contains an entry for this variant (Variation ID: 1967141). Experimental studies and prediction algorithms are not available or were not evaluated, and the functional significance of this variant is currently unknown. This variant is located in the M band of TTN (PMID: 25589632). Non-truncating variants in this region may be relevant for neuromuscular disorders, but have not been definitively shown to cause cardiomyopathy (PMID: 23975875). In summary, the available evidence is currently insufficient to determine the role of this variant in disease. Therefore, it has been classified as a Variant of Uncertain Significance.

Literature cited by the submitters: PubMed 25589632; PubMed 23975875.